The following is an entry in ClinVar:

ClinVar aggregate classification (germline): Uncertain significance (1 of 4 stars; one submission).

Allele frequency attached by ClinVar (database versions not stated): gnomAD exomes below 0.00001.
gnomAD v4.1: 3 of 1,614,074 alleles (0.00019%); highest among the groups gnomAD compares: Non-Finnish European, 0.00025%; no homozygotes.

Submission:

Labcorp Genetics (formerly Invitae), Labcorp
Classification: Uncertain significance. Last evaluated: 2023-12-12. Review status: criteria provided, single submitter. Criteria: Invitae Variant Classification Sherloc (09022015). Collection method: clinical testing. Allele origin: germline.
Comment: This sequence change replaces proline, which is neutral and non-polar, with serine, which is neutral and polar, at codon 251 of the LIG1 protein (p.Pro251Ser). This variant is present in population databases (no rsID available, gnomAD 0.0009%). This variant has not been reported in the literature in individuals affected with LIG1-related conditions. ClinVar contains an entry for this variant (Variation ID: 1391713). An algorithm developed to predict the effect of missense changes on protein structure and function (PolyPhen-2) suggests that this variant is likely to be tolerated. In summary, the available evidence is currently insufficient to determine the role of this variant in disease. Therefore, it has been classified as a Variant of Uncertain Significance.

NM_000234.3(LIG1):c.751C>T (p.Pro251Ser)

Gene: LIG1 (DNA ligase 1; minus strand). Cytogenetic location: 19q13.33.
Variant type: single nucleotide variant.
Coding change: c.751C>T on transcript NM_000234.3 (MANE Select); coding-DNA position 751, C replaced by T.
Protein change: p.Pro251Ser; replaces proline 251 with serine.
Molecular consequence: missense variant. On other transcripts: non-coding transcript variant (6).
Genome position (GRCh38, 1-based): chr19:48,149,788, G>A on the plus strand (C>T on the coding strand, the complement: LIG1 is on the minus strand). VCF-style: chr19-48149788-G-A. GRCh37 (hg19) VCF-style: chr19-48653045-G-A.
Other names: c.658C>T, p.Pro220Ser (NM_001289063.2); c.547C>T, p.Pro183Ser (NM_001289064.2); c.748C>T, p.Pro250Ser (NM_001320970.2); c.661C>T, p.Pro221Ser (NM_001320971.2); short protein forms P221S, P250S, P251S, P183S, P220S.
Identifiers: ClinVar variation 1391713 (VCV001391713.8), dbSNP rs1311116009, ClinGen allele CA406653309.
Genomic context (GRCh38, chr19:48,149,788, plus strand): 5'-CCGAAGAACCTTTCCAGACCTGGACACTGACTCACCCCTCAGCAGCTCCCTCCTTTCCTG[G>A]AGCCCCTGGCTCCTCTTCCTTCACTTCTTTTTTGACTGCTGGCTTCCGGGGGGCTAGGAA-3'
Protein context (NP_000225.1, residues 241-261): KEVKEEEPGA[Pro251Ser]GKEGAAEGPL